The following is an entry in ClinVar:

NM_000321.3(RB1):c.-77C>T

Gene: RB1 (RB transcriptional corepressor 1; plus strand). Cytogenetic location: 13q14.2.
Variant type: single nucleotide variant.
Coding change: c.-77C>T on transcript NM_000321.3 (MANE Select); 77 bases upstream of the start codon, C replaced by T.
Molecular consequence: 5 prime UTR variant.
Genome position (GRCh38, 1-based): chr13:48,303,836, C>T. VCF-style: chr13-48303836-C-T. GRCh37 (hg19) VCF-style: chr13-48877972-C-T.
Other names: c.-77C>T (NM_001407165.1, NM_001407166.1, NM_001407167.1).
Identifiers: ClinVar variation 4807592 (VCV004807592.1).

ClinVar aggregate classification (germline): Uncertain significance (1 of 4 stars; one submission).

Conditions:
Retinoblastoma (RB1). Also called: RETINOBLASTOMA, SOMATIC. Identifiers: Orphanet 790, MedGen C0035335, MeSH D012175, MONDO:0008380, OMIM 180200, HP:0009919. Disease mechanism: loss of function. Inheritance: Both sporadic and heritable forms are tested..

gnomAD v4.1: 1 of 1,490,196 alleles (0.000067%); highest among the groups gnomAD compares: Non-Finnish European, 0.000089%; no homozygotes.

Submission:

Labcorp Genetics (formerly Invitae), Labcorp
Classification: Uncertain significance for Retinoblastoma. Last evaluated: 2025-04-09. Review status: criteria provided, single submitter. Criteria: Invitae Variant Classification Sherloc (09022015). Collection method: clinical testing. Allele origin: germline.
Comment: This variant occurs in a non-coding region of the RB1 gene. It does not change the encoded amino acid sequence of the RB1 protein. This variant is not present in population databases (gnomAD no frequency). This variant has not been reported in the literature in individuals affected with RB1-related conditions. In summary, the available evidence is currently insufficient to determine the role of this variant in disease. Therefore, it has been classified as a Variant of Uncertain Significance.